The following is an entry in ClinVar:

NM_019842.4(KCNQ5):c.204C>G (p.Leu68=)

Genes: KCNQ5 (potassium voltage-gated channel subfamily Q member 5; plus strand), KCNQ5-DT (KCNQ5 divergent transcript; minus strand). Cytogenetic location: 6q13.
Variant type: single nucleotide variant.
Coding change: c.204C>G on transcript NM_019842.4 (MANE Select); coding-DNA position 204, C replaced by G.
Protein change: p.Leu68=; no amino-acid change (leucine 68 retained).
Molecular consequence: synonymous variant.
Genome position (GRCh38, 1-based): chr6:72,622,393, C>G. VCF-style: chr6-72622393-C-G. GRCh37 (hg19) VCF-style: chr6-73332121-C-G.
Other names: c.204C>G, p.Leu68= (NM_001160130.2, NM_001160132.2, NM_001160133.2 and 1 more transcripts).
Identifiers: ClinVar variation 1601671 (VCV001601671.32), dbSNP rs34821312, ClinGen allele CA3886690.

ClinVar aggregate classification (germline): Benign. Review status: criteria provided, multiple submitters, no conflicts (2 of 4 stars). 2 submissions from 2 submitters: Benign (2). Last evaluated 2025-11-17.

Allele frequency attached by ClinVar (database versions not stated): 1000 Genomes Project 30x 0.00031.
gnomAD v4.1: 84 of 1,484,268 alleles (0.0057%); highest among the groups gnomAD compares: African/African-American, 0.1%; no homozygotes.

Submissions (2):

Labcorp Genetics (formerly Invitae), Labcorp
Classification: Benign. Last evaluated: 2025-11-17. Review status: criteria provided, single submitter. Criteria: Invitae Variant Classification Sherloc (09022015). Collection method: clinical testing. Allele origin: germline.

CeGaT Center for Human Genetics Tuebingen
Classification: Benign. Last evaluated: 2022-07-01. Review status: criteria provided, single submitter. Criteria: CeGaT Center For Human Genetics Tuebingen Variant Classification Criteria Version 2. Collection method: clinical testing. Allele origin: germline. Affected: yes. Observed: 1 variant allele.
Comment: KCNQ5: BS1, BS2